The following is an entry in ClinVar:

ClinVar aggregate classification (germline): Uncertain significance (1 of 4 stars; one submission).

gnomAD v4.1: 28 of 1,612,998 alleles (0.0017%); highest among the groups gnomAD compares: South Asian, 0.021%; 1 homozygote.

Submission:

Labcorp Genetics (formerly Invitae), Labcorp
Classification: Uncertain significance. Last evaluated: 2021-10-20. Review status: criteria provided, single submitter. Criteria: Invitae Variant Classification Sherloc (09022015). Collection method: clinical testing. Allele origin: germline.
Comment: In summary, the available evidence is currently insufficient to determine the role of this variant in disease. Therefore, it has been classified as a Variant of Uncertain Significance. Algorithms developed to predict the effect of missense changes on protein structure and function (SIFT, PolyPhen-2, Align-GVGD) all suggest that this variant is likely to be tolerated. This variant has not been reported in the literature in individuals affected with AP3D1-related conditions. This variant is present in population databases (rs370017663, ExAC 0.02%). This sequence change replaces alanine with serine at codon 546 of the AP3D1 protein (p.Ala546Ser). The alanine residue is moderately conserved and there is a moderate physicochemical difference between alanine and serine.

NM_001261826.3(AP3D1):c.1636G>T (p.Ala546Ser)

Gene: AP3D1 (adaptor related protein complex 3 subunit delta 1; minus strand). Cytogenetic location: 19p13.3.
Variant type: single nucleotide variant.
Coding change: c.1636G>T on transcript NM_001261826.3 (MANE Select); coding-DNA position 1636, G replaced by T.
Protein change: p.Ala546Ser; replaces alanine 546 with serine.
Molecular consequence: missense variant.
Genome position (GRCh38, 1-based): chr19:2,118,678, C>A on the plus strand (G>T on the coding strand, the complement: AP3D1 is on the minus strand). VCF-style: chr19-2118678-C-A. GRCh37 (hg19) VCF-style: chr19-2118677-C-A.
Other names: c.1636G>T, p.Ala546Ser (NM_001374799.1, NM_003938.8); short protein forms A546S.
Identifiers: ClinVar variation 1498362 (VCV001498362.6), dbSNP rs370017663, ClinGen allele CA9059262.